The following is an entry in ClinVar:

NM_000222.3(KIT):c.1407T>G (p.Phe469Leu)

Gene: KIT (KIT proto-oncogene, receptor tyrosine kinase; plus strand). Cytogenetic location: 4q12.
Variant type: single nucleotide variant.
Coding change: c.1407T>G on transcript NM_000222.3 (MANE Select); coding-DNA position 1407, T replaced by G.
Protein change: p.Phe469Leu; replaces phenylalanine 469 with leucine.
Molecular consequence: missense variant.
Genome position (GRCh38, 1-based): chr4:54,725,917, T>G. VCF-style: chr4-54725917-T-G. GRCh37 (hg19) VCF-style: chr4-55592083-T-G.
Other names: c.1407T>G, p.Phe469Leu (NM_001093772.2, NM_001385285.1, NM_001385286.1); c.1410T>G, p.Phe470Leu (NM_001385284.1, NM_001385288.1, NM_001385290.1 and 1 more transcripts); short protein forms F469L, F470L.
Identifiers: ClinVar variation 528497 (VCV000528497.13), dbSNP rs1553891415, ClinGen allele CA356906329.

ClinVar aggregate classification (germline): Uncertain significance. Review status: criteria provided, multiple submitters, no conflicts (2 of 4 stars). 3 submissions from 3 submitters: Uncertain significance (3). Last evaluated 2024-09-30.

Conditions:
Gastrointestinal stromal tumor. Also called: Gastrointestinal stroma tumor; Gastrointestinal stromal tumor, somatic. Identifiers: Orphanet 44890, MedGen C0238198, MeSH D046152, MONDO:0011719, OMIM 606764, HP:0100723.
Hereditary cancer-predisposing syndrome. Also called: Tumor predisposition; Hereditary neoplastic syndrome; Hereditary Cancer Syndrome; Neoplastic Syndromes, Hereditary. Identifiers: Orphanet 140162, MedGen C0027672, MeSH D009386, MONDO:0015356.

Submissions (3):

Ambry Genetics
Classification: Uncertain significance for Hereditary cancer-predisposing syndrome. Last evaluated: 2024-09-30. Review status: criteria provided, single submitter. Criteria: Ambry Variant Classification Scheme 2023. Collection method: clinical testing. Allele origin: germline.
Comment: The p.F469L variant (also known as c.1407T>G), located in coding exon 9 of the KIT gene, results from a T to G substitution at nucleotide position 1407. The phenylalanine at codon 469 is replaced by leucine, an amino acid with highly similar properties. This amino acid position is well conserved in available vertebrate species. In addition, this alteration is predicted to be tolerated by in silico analysis. Since supporting evidence is limited at this time, the clinical significance of this alteration remains unclear.

Labcorp Genetics (formerly Invitae), Labcorp
Classification: Uncertain significance for Gastrointestinal stromal tumor. Last evaluated: 2023-08-17. Review status: criteria provided, single submitter. Criteria: Invitae Variant Classification Sherloc (09022015). Collection method: clinical testing. Allele origin: germline.
Comment: In summary, the available evidence is currently insufficient to determine the role of this variant in disease. Therefore, it has been classified as a Variant of Uncertain Significance. An algorithm developed to predict the effect of missense changes on protein structure and function (PolyPhen-2) suggests that this variant is likely to be tolerated. ClinVar contains an entry for this variant (Variation ID: 528497). This variant has not been reported in the literature in individuals affected with KIT-related conditions. This variant is not present in population databases (gnomAD no frequency). This sequence change replaces phenylalanine, which is neutral and non-polar, with leucine, which is neutral and non-polar, at codon 469 of the KIT protein (p.Phe469Leu).

GeneDx
Classification: Uncertain significance. Last evaluated: 2022-10-13. Review status: criteria provided, single submitter. Criteria: GeneDx Variant Classification Process June 2021. Collection method: clinical testing. Allele origin: germline. Affected: yes.
Comment: Not observed at significant frequency in large population cohorts (gnomAD); In silico analysis supports that this missense variant has a deleterious effect on protein structure/function; Has not been previously published as pathogenic or benign to our knowledge